The following is an entry in ClinVar:

NM_004438.5(EPHA4):c.2669_2671del (p.Arg890del)

Gene: EPHA4 (EPH receptor A4; minus strand). Cytogenetic location: 2q36.1.
Variant type: Deletion.
Coding change: c.2669_2671del on transcript NM_004438.5 (MANE Select); coding-DNA positions 2669 to 2671, 3 bases deleted (GGA; older notation c.2669_2671delGGA).
Protein change: p.Arg890del; deletes arginine 890.
Molecular consequence: inframe deletion.
Genome position (GRCh38, 1-based): chr2:221,429,977-221,429,979, TCC deleted on the plus strand (GGA on the coding strand, the reverse complement: EPHA4 is on the minus strand); deleting any 3 consecutive bases within chr2:221,429,977-221,429,981 gives the same sequence; the c. name uses the placement nearest the transcript's 3' end. VCF-style (leftmost placement, unchanged base first): chr2-221429976-GTCC-G. GRCh37 (hg19) VCF-style: chr2-222294696-GTCC-G.
Other names: c.2669_2671del, p.Arg890del (NM_001304536.2, NM_001363748.2); c.2516_2518del, p.Arg839del (NM_001304537.2); short protein forms R839del, R890del.
Identifiers: ClinVar variation 4742423 (VCV004742423.1).

ClinVar aggregate classification (germline): Uncertain significance (1 of 4 stars; one submission).

Submission:

Labcorp Genetics (formerly Invitae), Labcorp
Classification: Uncertain significance. Last evaluated: 2025-06-04. Review status: criteria provided, single submitter. Criteria: Invitae Variant Classification Sherloc (09022015). Collection method: clinical testing. Allele origin: germline.
Comment: This variant, c.2669_2671del, results in the deletion of 1 amino acid(s) of the EPHA4 protein (p.Arg890del), but otherwise preserves the integrity of the reading frame. This variant is not present in population databases (gnomAD no frequency). This variant has not been reported in the literature in individuals affected with EPHA4-related conditions. Experimental studies and prediction algorithms are not available or were not evaluated, and the functional significance of this variant is currently unknown. In summary, the available evidence is currently insufficient to determine the role of this variant in disease. Therefore, it has been classified as a Variant of Uncertain Significance.